The following is an entry in ClinVar:

ClinVar aggregate classification (germline): Pathogenic (1 of 4 stars; one submission).

Conditions:
Intellectual developmental disorder with gastrointestinal difficulties and high pain threshold (JDVS). Also called: JANSEN-DE VRIES SYNDROME. Identifiers: Orphanet 653767, MedGen C4479517, MONDO:0044318, OMIM 617450.

Submission:

Baylor Genetics
Classification: Pathogenic for Intellectual developmental disorder with gastrointestinal difficulties and high pain threshold. Last evaluated: 2018-02-11. Review status: criteria provided, single submitter. Criteria: ACMG Guidelines, 2015. Collection method: clinical testing. Allele origin: de novo. Affected: yes.
Comment: This variant was determined to be pathogenic according to ACMG Guidelines, 2015 [PMID:25741868].

NM_003620.4(PPM1D):c.1278dup (p.Trp427fs)

Gene: PPM1D (protein phosphatase, Mg2+/Mn2+ dependent 1D; plus strand). Cytogenetic location: 17q23.2.
Variant type: Duplication.
Coding change: c.1278dup on transcript NM_003620.4 (MANE Select); coding-DNA position 1278, one base duplicated (A; older notation c.1278dupA).
Protein change: p.Trp427fs; shifts the reading frame from tryptophan 427.
Molecular consequence: frameshift variant.
Genome position (GRCh38, 1-based): chr17:60,663,012, A duplicated. VCF-style (leftmost placement, unchanged base first): chr17-60663011-C-CA. GRCh37 (hg19) VCF-style: chr17-58740372-C-CA.
Other names: short protein forms W427fs.
Identifiers: ClinVar variation 1031346 (VCV001031346.1), dbSNP rs2031551825, ClinGen allele CA2268681461.